The following is an entry in ClinVar:

NM_001394395.1(PPIP5K1):c.967C>T (p.Arg323Cys)

Gene: PPIP5K1 (diphosphoinositol pentakisphosphate kinase 1; minus strand). Cytogenetic location: 15q15.3.
Variant type: single nucleotide variant.
Coding change: c.967C>T on transcript NM_001394395.1 (MANE Select); coding-DNA position 967, C replaced by T.
Protein change: p.Arg323Cys; replaces arginine 323 with cysteine.
Molecular consequence: missense variant. On other transcripts: 5 prime UTR variant (2).
Genome position (GRCh38, 1-based): chr15:43,581,096, G>A on the plus strand (C>T on the coding strand, the complement: PPIP5K1 is on the minus strand). VCF-style: chr15-43581096-G-A. GRCh37 (hg19) VCF-style: chr15-43873294-G-A.
Other names: c.967C>T, p.Arg323Cys (NM_001130858.4, NM_001130859.3, NM_001190214.2 and 20 more transcripts); c.202C>T, p.Arg68Cys (NM_001354398.2, NM_001354399.2, NM_001354400.2); c.-2500C>T (NM_001354401.2, NM_001354402.2); short protein forms R68C, R323C.
Identifiers: ClinVar variation 5027219 (VCV005027219.1).

ClinVar aggregate classification (germline): Uncertain significance (1 of 4 stars; one submission).

Submission:

Ambry Genetics
Classification: Uncertain significance. Last evaluated: 2026-07-29. Review status: criteria provided, single submitter. Criteria: Ambry Variant Classification Scheme 2023. Collection method: clinical testing. Allele origin: germline.
Comment: The c.967C>T (p.R323C) alteration is located in exon 10 (coding exon 8) of the PPIP5K1 gene. This alteration results from a C to T substitution at nucleotide position 967, causing the arginine (R) at amino acid position 323 to be replaced by a cysteine (C). Based on data from gnomAD, the T allele has an overall frequency of 0.002% (4/237472) total alleles studied. The highest observed frequency was 0.014% (4/29550) of South Asian alleles. Based on insufficient or conflicting evidence, the clinical significance of this alteration remains unclear.